The following is an entry in ClinVar:

ClinVar aggregate classification (germline): Uncertain significance. Review status: criteria provided, multiple submitters, no conflicts (2 of 4 stars). 4 submissions from 4 submitters: Uncertain significance (4). Last evaluated 2026-08-21.

Conditions:
Neuropathy, hereditary sensory and autonomic, type 2A (HSAN2A). Also called: HSAN IIA; ACROOSTEOLYSIS, GIACCAI TYPE; ACROOSTEOLYSIS, NEUROGENIC; WNK1-Related HSAN2 (HSAN2A); MORVAN DISEASE; NEUROPATHY, CONGENITAL SENSORY. Identifiers: Orphanet 970, MedGen C2752089, MONDO:0024309, OMIM 201300.
Pseudohypoaldosteronism type 2C (PHA2C). Also called: Pseudohypoaldosteronism Type IIC. Identifiers: Orphanet 757, Orphanet 88940, MedGen C1840391, MONDO:0013778, OMIM 614492.
WNK1-related disorder. Also called: WNK1-related condition.

Allele frequency attached by ClinVar (database versions not stated): gnomAD exomes below 0.00001 and 0.00001; ExAC 0.00001; gnomAD 0.00003 and 0.00005; TOPMed 0.00005.

Submissions (4):

PreventionGenetics, part of Exact Sciences
Classification: Uncertain significance for WNK1-related condition. Last evaluated: 2026-08-21. Review status: criteria provided, single submitter. Criteria: ACMG Guidelines, 2015. Collection method: clinical testing. Allele origin: germline.
Comment: The WNK1 c.130G>A variant is predicted to result in the amino acid substitution p.Ala44Thr. To our knowledge, this variant has not been reported in the literature. This variant is reported in 0.011% of alleles in individuals of East Asian descent in gnomAD. At this time, the clinical significance of this variant is uncertain due to the absence of conclusive functional and genetic evidence.

Labcorp Genetics (formerly Invitae), Labcorp
Classification: Uncertain significance for Neuropathy, hereditary sensory and autonomic, type 2A; Pseudohypoaldosteronism type 2C. Last evaluated: 2024-10-21. Review status: criteria provided, single submitter. Criteria: Invitae Variant Classification Sherloc (09022015). Collection method: clinical testing. Allele origin: germline.
Comment: This sequence change replaces alanine, which is neutral and non-polar, with threonine, which is neutral and polar, at codon 44 of the WNK1 protein (p.Ala44Thr). The frequency data for this variant in the population databases is considered unreliable, as metrics indicate poor data quality at this position in the gnomAD database. This variant has not been reported in the literature in individuals affected with WNK1-related conditions. ClinVar contains an entry for this variant (Variation ID: 618496). Invitae Evidence Modeling of protein sequence and biophysical properties (such as structural, functional, and spatial information, amino acid conservation, physicochemical variation, residue mobility, and thermodynamic stability) indicates that this missense variant is not expected to disrupt WNK1 protein function with a negative predictive value of 95%. In summary, the available evidence is currently insufficient to determine the role of this variant in disease. Therefore, it has been classified as a Variant of Uncertain Significance.

Fulgent Genetics
Classification: Uncertain significance for Neuropathy, hereditary sensory and autonomic, type 2A; Pseudohypoaldosteronism type 2C. Last evaluated: 2021-09-10. Review status: criteria provided, single submitter. Criteria: ACMG Guidelines, 2015. Collection method: clinical testing. Allele origin: unknown.

ARUP Laboratories, Molecular Genetics and Genomics, ARUP Laboratories
Classification: Uncertain significance. Last evaluated: 2018-02-22. Review status: criteria provided, single submitter. Criteria: ARUP Molecular Germline Variant Investigation Process. Collection method: clinical testing. Allele origin: germline.
Comment: The WNK1 c.130G>A; p.Ala44Thr variant (rs764240024), to our knowledge, is not reported in the medical literature, gene specific variation databases, nor has it been previously identified by our laboratory. This variant is listed in the genome Aggregation Database (gnomAD) with an overall population frequency of 0.0008% (identified on 2 out of 236,264 chromosomes). The alanine at position 44 is weakly conserved, considering 18 species, and computational analyses of the effects of the p.Ala44Thr variant on protein structure and function do not predict a deleterious effect (SIFT: tolerated, PolyPhen-2: benign). Based on the available information, the clinical significance of the p.Ala44Thr variant cannot be determined with certainty.

NM_018979.4(WNK1):c.130G>A (p.Ala44Thr)

Gene: WNK1 (WNK lysine deficient protein kinase 1; plus strand). Cytogenetic location: 12p13.33.
Variant type: single nucleotide variant.
Coding change: c.130G>A on transcript NM_018979.4 (MANE Select); coding-DNA position 130, G replaced by A.
Protein change: p.Ala44Thr; replaces alanine 44 with threonine.
Molecular consequence: missense variant.
Genome position (GRCh38, 1-based): chr12:753,695, G>A. VCF-style: chr12-753695-G-A. GRCh37 (hg19) VCF-style: chr12-862861-G-A.
Other names: c.130G>A, p.Ala44Thr (NM_001184985.2, NM_014823.3, NM_213655.5); short protein forms A44T.
Identifiers: ClinVar variation 618496 (VCV000618496.16), dbSNP rs764240024, ClinGen allele CA6381727.
Genomic context (GRCh38, chr12:753,695, plus strand): 5'-GCCCCCAAGAATGGCTCCAGCTCCGATTCCTCCGTGGGGGAGAAACTGGGAGCCGCGGCC[G>A]CCGACGCTGTGACCGGCAGGACCGAGGAGTACAGGCGCCGCCGCCACACTATGGACAAGG-3'
Protein context (NP_061852.3, residues 34-54): SVGEKLGAAA[Ala44Thr]DAVTGRTEEY